The following is an entry in ClinVar:

NM_001136157.2(OTUD5):c.69C>G (p.Pro23=)

Gene: OTUD5 (OTU deubiquitinase 5; minus strand). Cytogenetic location: Xp11.23.
Variant type: single nucleotide variant.
Coding change: c.69C>G on transcript NM_001136157.2 (MANE Select); coding-DNA position 69, C replaced by G.
Protein change: p.Pro23=; no amino-acid change (proline 23 retained).
Molecular consequence: synonymous variant. On other transcripts: intron variant (1).
Genome position (GRCh38, 1-based): chrX:48,957,502, G>C on the plus strand (C>G on the coding strand, the complement: OTUD5 is on the minus strand). VCF-style: chrX-48957502-G-C. GRCh37 (hg19) VCF-style: chrX-48814764-G-C.
Other names: c.69C>G, p.Pro23= (NM_001136158.2, NM_017602.4); c.-58+730C>G (NM_001136159.2).
Identifiers: ClinVar variation 3060221 (VCV003060221.2), dbSNP rs782038757, ClinGen allele CA516049830.
Genomic context (GRCh38, chrX:48,957,502, plus strand): 5'-CGTGCCGCCGCCGCCCACGCCCACACCTCCGCCGCGCCGCGGCGCCGGGGGCATCGGCCC[G>C]GGCGGCGGCGGCTCGTTGGCGGGGTCGGCGTCGGGAGGCGGCGGCTTCTTTTTGGGGAGT-3'
Protein context (NP_001129629.1, residues 13-33): DADPANEPPP[Pro23=]GPMPPAPRRG

ClinVar aggregate classification (germline): Likely benign (0 of 4 stars; one submission).

Conditions:
OTUD5-related disorder. Also called: OTUD5-related condition.

Submission:

PreventionGenetics, part of Exact Sciences
Classification: Likely benign for OTUD5-related condition. Last evaluated: 2024-03-03. Review status: no assertion criteria provided. Collection method: clinical testing. Allele origin: germline.
Comment: This variant is classified as likely benign based on ACMG/AMP sequence variant interpretation guidelines (Richards et al. 2015 PMID: 25741868, with internal and published modifications).